The following is an entry in ClinVar:

NM_032043.3(BRIP1):c.2493-10dup

Gene: BRIP1 (BRCA1 interacting DNA helicase 1; minus strand). Cytogenetic location: 17q23.2.
Variant type: Duplication.
Coding change: c.2493-10dup on transcript NM_032043.3 (MANE Select); 10 bases into the intron before coding-DNA position 2493, one base duplicated (T; older notation c.2493-10dupT).
Molecular consequence: intron variant.
Genome position (GRCh38, 1-based): chr17:61,693,517, A duplicated on the plus strand (T on the coding strand, the reverse complement: BRIP1 is on the minus strand); the first of 6 consecutive A bases (chr17:61,693,517-61,693,522); duplicating any one gives the same sequence. VCF-style (leftmost placement, unchanged base first): chr17-61693516-G-GA. GRCh37 (hg19) VCF-style: chr17-59770877-G-GA.
Other names: c.2493-5dupT (NM_032043.3, NM_032043.2).
Identifiers: ClinVar variation 481654 (VCV000481654.26), dbSNP rs1457869893, ClinGen allele CA626799003.
Genomic context (GRCh38, chr17:61,693,516, plus strand): 5'-CTAAAGCGATCATCCACTAGAATAAGAGCTCCCCAATCATTTCTGTGTCTAATACATCTA[G>GA]AAAAAATAGGGAAAAAGTCAAATAATTATAACATCGGAAATAAATCCAGTTTTCCAGTGG-3'

ClinVar aggregate classification (germline): Conflicting classifications of pathogenicity. Review status: criteria provided, conflicting classifications (1 of 4 stars). 6 submissions from 6 submitters: Uncertain significance (3); Benign (1); Likely benign (2). Last evaluated 2026-02-09.

Conditions:
Hereditary cancer-predisposing syndrome. Also called: Tumor predisposition; Hereditary Cancer Syndrome; Neoplastic Syndromes, Hereditary; Hereditary neoplastic syndrome. Identifiers: Orphanet 140162, MedGen C0027672, MeSH D009386, MONDO:0015356.
Familial cancer of breast. Also called: Hereditary breast cancer; BREAST CANCER, FAMILIAL; hereditary breast carcinoma. Identifiers: Orphanet 227535, MedGen C0346153, MONDO:0016419, OMIM 114480. Disease mechanism: loss of function.
Fanconi anemia complementation group J. Also called: BRIP1-Related Fanconi Anemia. Identifiers: Orphanet 84, MedGen C1836860, MONDO:0012187, OMIM 609054.

Submissions (6):

Ambry Genetics
Classification: Uncertain significance for Hereditary cancer-predisposing syndrome. Last evaluated: 2026-02-09. Review status: criteria provided, single submitter. Criteria: Ambry Variant Classification Scheme 2023. Collection method: clinical testing. Allele origin: germline.
Comment: The c.2493-5dupT intronic variant, results from a duplication of two nucleotides at nucleotide position 2493 before intron 16 of the BRIP1 gene. This nucleotide position is not well conserved in available vertebrate species. In silico splice site analysis predicts that this alteration will not have any significant effect on splicing. Based on the available evidence, the clinical significance of this variant remains unclear.

Labcorp Genetics (formerly Invitae), Labcorp
Classification: Benign for Familial cancer of breast; Fanconi anemia complementation group J. Last evaluated: 2026-01-06. Review status: criteria provided, single submitter. Criteria: Invitae Variant Classification Sherloc (09022015). Collection method: clinical testing. Allele origin: germline.

Women's Health and Genetics/Laboratory Corporation of America, LabCorp
Classification: Likely benign. Last evaluated: 2025-04-16. Review status: criteria provided, single submitter. Criteria: LabCorp Variant Classification Summary - May 2015. Collection method: clinical testing. Allele origin: germline.
Comment: Variant summary: BRIP1 c.2493-5dupT alters a non-conserved nucleotide located at a position not widely known to affect splicing. Consensus agreement among computation tools predict no significant impact on normal splicing. However, these predictions have yet to be confirmed by functional studies. The variant allele was found at a frequency of 4e-06 in 250958 control chromosomes. The available data on variant occurrences in the general population are insufficient to allow any conclusion about variant significance. To our knowledge, no occurrence of c.2493-5dupT in individuals affected with Breast Cancer and no experimental evidence demonstrating its impact on protein function have been reported. ClinVar contains an entry for this variant (Variation ID: 481654). Based on the evidence outlined above, the variant was classified as likely benign.

Myriad Genetics, Inc.
Classification: Likely benign for Familial cancer of breast. Last evaluated: 2024-09-05. Review status: criteria provided, single submitter. Criteria: Myriad Autosomal Dominant, Autosomal Recessive and X-Linked Classification Criteria (2023). Collection method: clinical testing. Allele origin: unknown.
Comment: This variant is considered likely benign. This variant is intronic and is not expected to impact mRNA splicing.

Color Diagnostics, LLC DBA Color Health
Classification: Uncertain significance for Hereditary cancer-predisposing syndrome. Last evaluated: 2019-05-09. Review status: criteria provided, single submitter. Criteria: ACMG Guidelines, 2015. Collection method: clinical testing. Allele origin: germline.

Quest Diagnostics Nichols Institute San Juan Capistrano
Classification: Uncertain significance. Last evaluated: 2019-03-15. Review status: criteria provided, single submitter. Criteria: Quest Diagnostics criteria. Collection method: clinical testing. Allele origin: germline.